The following is an entry in ClinVar:

NM_000256.3(MYBPC3):c.3522_3525dup (p.Asp1176fs)

Gene: MYBPC3 (myosin binding protein C3; minus strand). Cytogenetic location: 11p11.2.
Variant type: Duplication.
Coding change: c.3522_3525dup on transcript NM_000256.3 (MANE Select); coding-DNA positions 3522 to 3525, 4 bases duplicated (CCTG; older notation c.3522_3525dupCCTG).
Protein change: p.Asp1176fs; shifts the reading frame from aspartic acid 1176.
Molecular consequence: frameshift variant.
Genome position (GRCh38, 1-based): chr11:47,332,668-47,332,671, CAGG duplicated on the plus strand (CCTG on the coding strand, the reverse complement: MYBPC3 is on the minus strand). VCF-style (leftmost placement, unchanged base first): chr11-47332667-C-CCAGG. GRCh37 (hg19) VCF-style: chr11-47354218-C-CCAGG.
Other names: short protein forms D1176fs.
Identifiers: ClinVar variation 4718343 (VCV004718343.1).

ClinVar aggregate classification (germline): Pathogenic (1 of 4 stars; one submission).

Conditions:
Hypertrophic cardiomyopathy. Also called: HYPERTROPHIC MYOCARDIOPATHY. Identifiers: Orphanet 217569, MedGen C0007194, MeSH D002312, MONDO:0005045, HP:0001639.

Submission:

Labcorp Genetics (formerly Invitae), Labcorp
Classification: Pathogenic for Hypertrophic cardiomyopathy. Last evaluated: 2025-11-18. Review status: criteria provided, single submitter. Criteria: Invitae Variant Classification Sherloc (09022015). Collection method: clinical testing. Allele origin: germline.
Comment: This sequence change creates a premature translational stop signal (p.Asp1176Profs*33) in the MYBPC3 gene. It is expected to result in an absent or disrupted protein product. Loss-of-function variants in MYBPC3 are known to be pathogenic (PMID: 19574547). This variant is not present in population databases (gnomAD no frequency). This variant has not been reported in the literature in individuals affected with MYBPC3-related conditions. For these reasons, this variant has been classified as Pathogenic.

Literature cited by the submitters: PubMed 19574547.